The following is an entry in ClinVar:

NM_000310.4(PPT1):c.916G>C (p.Gly306Arg)

Gene: PPT1 (palmitoyl-protein thioesterase 1; minus strand). Cytogenetic location: 1p34.2.
Variant type: single nucleotide variant.
Coding change: c.916G>C on transcript NM_000310.4 (MANE Select); coding-DNA position 916, G replaced by C.
Protein change: p.Gly306Arg; replaces glycine 306 with arginine.
Molecular consequence: missense variant.
Genome position (GRCh38, 1-based): chr1:40,074,066, C>G on the plus strand (G>C on the coding strand, the complement: PPT1 is on the minus strand). VCF-style: chr1-40074066-C-G. GRCh37 (hg19) VCF-style: chr1-40539738-C-G.
Other names: c.607G>C, p.Gly203Arg (NM_001142604.2); c.844G>C, p.Gly282Arg (NM_001363695.2); short protein forms G306R, G203R, G282R.
Identifiers: ClinVar variation 2089614 (VCV002089614.4), dbSNP rs2523620188, ClinGen allele CA339845299.

ClinVar aggregate classification (germline): Uncertain significance (1 of 4 stars; one submission).

Conditions:
Neuronal ceroid lipofuscinosis 1 (CLN1). Also called: CEROID LIPOFUSCINOSIS, NEURONAL, 1, VARIABLE AGE AT ONSET; PPT1-Related Neuronal Ceroid-Lipofuscinosis. Identifiers: Orphanet 228329, MedGen C1850451, MONDO:0009744, OMIM 256730.

Submission:

Labcorp Genetics (formerly Invitae), Labcorp
Classification: Uncertain significance for Neuronal ceroid lipofuscinosis 1. Last evaluated: 2022-03-11. Review status: criteria provided, single submitter. Criteria: Invitae Variant Classification Sherloc (09022015). Collection method: clinical testing. Allele origin: germline.
Comment: In summary, the available evidence is currently insufficient to determine the role of this variant in disease. Therefore, it has been classified as a Variant of Uncertain Significance. Advanced modeling of protein sequence and biophysical properties (such as structural, functional, and spatial information, amino acid conservation, physicochemical variation, residue mobility, and thermodynamic stability) performed at Invitae indicates that this missense variant is not expected to disrupt PPT1 protein function. This variant has not been reported in the literature in individuals affected with PPT1-related conditions. This variant is not present in population databases (gnomAD no frequency). This sequence change replaces glycine, which is neutral and non-polar, with arginine, which is basic and polar, at codon 306 of the PPT1 protein (p.Gly306Arg).